The following is an entry in ClinVar:

ClinVar aggregate classification (germline): Uncertain significance. Review status: criteria provided, multiple submitters, no conflicts (2 of 4 stars). 4 submissions from 4 submitters: Uncertain significance (4). Last evaluated 2024-01-24.

Conditions:
Finnish congenital nephrotic syndrome (NPHS1). Also called: NEPHROTIC SYNDROME, TYPE 1. Identifiers: Orphanet 839, MedGen C0403399, MONDO:0009732, OMIM 256300.

Allele frequency attached by ClinVar (database versions not stated): gnomAD 0.00001 and 0.00003; ESP Exome Variant Server 0.00008; 1000 Genomes Project 0.00020; 1000 Genomes Project 30x 0.00031.

Submissions (4):

Fulgent Genetics
Classification: Uncertain significance for Finnish congenital nephrotic syndrome. Last evaluated: 2024-01-24. Review status: criteria provided, single submitter. Criteria: ACMG Guidelines, 2015. Collection method: clinical testing. Allele origin: germline.

Blueprint Genetics
Classification: Uncertain significance. Last evaluated: 2023-12-22. Review status: criteria provided, single submitter. Criteria: ACMG Guidelines, 2015. Collection method: clinical testing. Allele origin: germline.

Women's Health and Genetics/Laboratory Corporation of America, LabCorp
Classification: Uncertain significance. Last evaluated: 2021-09-02. Review status: criteria provided, single submitter. Criteria: LabCorp Variant Classification Summary - May 2015. Collection method: clinical testing. Allele origin: germline.
Comment: Variant summary: NPHS1 c.1234G>A (p.Gly412Ser) results in a non-conservative amino acid change located in the CD80-like, immunoglobulin C2-set domain (IPR013162) of the encoded protein sequence. Four of five in-silico tools predict a damaging effect of the variant on protein function. The variant allele was found at a frequency of 5.2e-05 in 251346 control chromosomes (gnomAD). This frequency is not significantly higher than expected for a pathogenic variant in NPHS1 causing Nephrotic Syndrome, Type 1 (5.2e-05 vs 0.0034), allowing no conclusion about variant significance. c.1234G>A has been reported in the literature in a compound heterozygous individual affected with Steroid-resistant nephrotic syndrome (SRNS). This report however, does not provide unequivocal conclusions about association of the variant with Nephrotic Syndrome, Type 1. To our knowledge, no experimental evidence demonstrating an impact on protein function has been reported. No clinical diagnostic laboratories have submitted clinical-significance assessments for this variant to ClinVar after 2014. However, another nucleotide change affecting the same codon (c.1234G>T p.G412C) has been reported as likely pathogenic in ClinVar. Based on the evidence outlined above, the variant was classified as uncertain significance.

Breakthrough Genomics
Classification: Uncertain significance. Review status: criteria provided, single submitter. Criteria: ACMG Guidelines, 2015. Collection method: not provided. Allele origin: germline. Inheritance: Autosomal dominant inheritance. Affected: yes.

Literature cited by the submitters: PubMed 25349199 (cited by Women's Health and Genetics/Laboratory Corporation of America, LabCorp).

NM_004646.4(NPHS1):c.1234G>A (p.Gly412Ser)

Gene: NPHS1 (NPHS1 adhesion molecule, nephrin; minus strand). Cytogenetic location: 19q13.12.
Variant type: single nucleotide variant.
Coding change: c.1234G>A on transcript NM_004646.4 (MANE Select); coding-DNA position 1234, G replaced by A.
Protein change: p.Gly412Ser; replaces glycine 412 with serine.
Molecular consequence: missense variant.
Genome position (GRCh38, 1-based): chr19:35,848,334, C>T on the plus strand (G>A on the coding strand, the complement: NPHS1 is on the minus strand). VCF-style: chr19-35848334-C-T. GRCh37 (hg19) VCF-style: chr19-36339236-C-T.
Other names: short protein forms G412S.
Identifiers: ClinVar variation 1301353 (VCV001301353.5), dbSNP rs142008044, ClinGen allele CA9390496.